The following is an entry in ClinVar:

ClinVar aggregate classification (germline): Uncertain significance (1 of 4 stars; one submission).

Allele frequency attached by ClinVar (database versions not stated): gnomAD exomes below 0.00001.
gnomAD v4.1: 1 of 1,614,016 alleles (0.000062%); highest among the groups gnomAD compares: Non-Finnish European, 0.000085%; no homozygotes.

Submission:

Women's Health and Genetics/Laboratory Corporation of America, LabCorp
Classification: Uncertain significance. Last evaluated: 2023-05-10. Review status: criteria provided, single submitter. Criteria: LabCorp Variant Classification Summary - May 2015. Collection method: clinical testing. Allele origin: germline.
Comment: Variant summary: SLC12A3 c.581C>T (p.Thr194Ile) results in a non-conservative amino acid change located in the Amino acid permease, N-terminal domain (IPR013612) of the encoded protein sequence. Five of five in-silico tools predict a damaging effect of the variant on protein function. The variant was absent in 251316 control chromosomes. The available data on variant occurrences in the general population are insufficient to allow any conclusion about variant significance. c.581C>T has been reported in the literature as a presumed biallelic compound heterozygous genotype in at-least one individual with a clinical suspicion of Gitelman syndrome (Familial Hypokalemia-Hypomagnesemia) (example, Glaudema_2012). These report(s) do not provide unequivocal conclusions about association of the variant with Familial Hypokalemia-Hypomagnesemia. To our knowledge, no experimental evidence demonstrating an impact on protein function has been reported. The following publication has been ascertained in the context of this evaluation (PMID: 22009145). No clinical diagnostic laboratories have submitted clinical-significance assessments for this variant to ClinVar after 2014. Based on the evidence outlined above, the variant was classified as uncertain significance.

Literature cited by the submitters: PubMed 22009145.

NM_001126108.2(SLC12A3):c.581C>T (p.Thr194Ile)

Gene: SLC12A3 (solute carrier family 12 member 3; plus strand). Cytogenetic location: 16q13.
Variant type: single nucleotide variant.
Coding change: c.581C>T on transcript NM_001126108.2 (MANE Select); coding-DNA position 581, C replaced by T.
Protein change: p.Thr194Ile; replaces threonine 194 with isoleucine.
Molecular consequence: missense variant.
Genome position (GRCh38, 1-based): chr16:56,869,804, C>T. VCF-style: chr16-56869804-C-T. GRCh37 (hg19) VCF-style: chr16-56903716-C-T.
Other names: c.581C>T, p.Thr194Ile (NM_000339.3); c.578C>T, p.Thr193Ile (NM_001126107.2, NM_001410896.1); short protein forms T193I, T194I.
Identifiers: ClinVar variation 2506183 (VCV002506183.1), dbSNP rs2543480008, ClinGen allele CA395981135.